The following is an entry in ClinVar:

ClinVar aggregate classification (germline): Uncertain significance (1 of 4 stars; one submission).

Allele frequency attached by ClinVar (database versions not stated): TOPMed 0.00004; ESP Exome Variant Server 0.00008.
gnomAD v4.1: 4 of 1,613,028 alleles (0.00025%); highest among the groups gnomAD compares: Middle Eastern, 0.018%; no homozygotes.

Submission:

GeneDx
Classification: Uncertain significance. Last evaluated: 2023-10-02. Review status: criteria provided, single submitter. Criteria: GeneDx Variant Classification Process June 2021. Collection method: clinical testing. Allele origin: germline. Affected: yes.
Comment: In silico analysis supports a deleterious effect on splicing; Has not been previously published as pathogenic or benign to our knowledge

NM_014141.6(CNTNAP2):c.755-5C>A

Gene: CNTNAP2 (contactin associated protein 2; plus strand). Cytogenetic location: 7q35.
Variant type: single nucleotide variant.
Coding change: c.755-5C>A on transcript NM_014141.6 (MANE Select); 5 bases into the intron before coding-DNA position 755, C replaced by A.
Molecular consequence: intron variant.
Genome position (GRCh38, 1-based): chr7:147,120,974, C>A. VCF-style: chr7-147120974-C-A. GRCh37 (hg19) VCF-style: chr7-146818066-C-A.
Identifiers: ClinVar variation 205211 (VCV000205211.2), dbSNP rs369675346, ClinGen allele CA314064.
Genomic context (GRCh38, chr7:147,120,974, plus strand): 5'-CTTCTGCTTCACAGAGTTGGCCATAGCATCATTGCATTGTTTCTTTTTCACTTCTGTGTA[C>A]GCAGGAAGCAACCAGCTTGGCCCCATATATGGCCACACATCAGTGATGACAGGAAGTTTG-3'